The following is an entry in ClinVar:

ClinVar aggregate classification (germline): Uncertain significance (1 of 4 stars; one submission).

Conditions:
Mucopolysaccharidosis type 6 (MPS6). Also called: N-ACETYLGALACTOSAMINE-4-SULFATASE DEFICIENCY; MPS VI; MPS 6; Maroteaux Lamy syndrome; ARSB DEFICIENCY; ARYLSULFATASE B DEFICIENCY. Identifiers: Orphanet 583, MedGen C0026709, MONDO:0009661, OMIM 253200.

Submission:

Laboratory of Diagnosis and Therapy of Lysosomal Disorders, University of Padova
Classification: Uncertain significance for Mucopolysaccharidosis type 6. Last evaluated: 2018-01-01. Review status: criteria provided, single submitter. Criteria: ACMG Guidelines, 2015. Collection method: curation. Allele origin: germline. Affected: yes.
Comment: Absent from GnomAD (PM2)

Literature cited by the submitters: PubMed 23855929; PubMed 30118150.

NM_000046.5(ARSB):c.278C>T (p.Pro93Leu)

Genes: ARSB (arylsulfatase B; minus strand), LOC129994126 (ATAC-STARR-seq lymphoblastoid silent region 16127; plus strand). Cytogenetic location: 5q14.1.
Variant type: single nucleotide variant.
Coding change: c.278C>T on transcript NM_000046.5 (MANE Select); coding-DNA position 278, C replaced by T.
Protein change: p.Pro93Leu; replaces proline 93 with leucine.
Molecular consequence: missense variant.
Genome position (GRCh38, 1-based): chr5:78,984,971, G>A on the plus strand (C>T on the coding strand, the complement: ARSB is on the minus strand). VCF-style: chr5-78984971-G-A. GRCh37 (hg19) VCF-style: chr5-78280794-G-A.
Other names: c.278C>T, p.Pro93Leu (NM_198709.3); short protein forms P93L.
Identifiers: ClinVar variation 559761 (VCV000559761.1), dbSNP rs1339096448, ClinGen allele CA360196429.
Genomic context (GRCh38, chr5:78,984,971, plus strand): 5'-GCGCGGGCGGCGGGGGCGCCGCGTACCTGGTAGCGGCCAGTGAGCAGCTGGCTCCGCGAC[G>A]GCGTGCACAGCGGCTGCGTGTAGTAGTTGTCCAGGAGCACCCCGCCGGCCGCCAGCGCGT-3'
Protein context (NP_000037.2, residues 83-103): DNYYTQPLCT[Pro93Leu]SRSQLLTGRY